The following is an entry in ClinVar:

NM_000391.4(TPP1):c.83G>A (p.Arg28Gln)

Gene: TPP1 (tripeptidyl peptidase 1; minus strand). Cytogenetic location: 11p15.4.
Variant type: single nucleotide variant.
Coding change: c.83G>A on transcript NM_000391.4 (MANE Select); coding-DNA position 83, G replaced by A.
Protein change: p.Arg28Gln; replaces arginine 28 with glutamine.
Molecular consequence: missense variant.
Genome position (GRCh38, 1-based): chr11:6,619,202, C>T on the plus strand (G>A on the coding strand, the complement: TPP1 is on the minus strand). VCF-style: chr11-6619202-C-T. GRCh37 (hg19) VCF-style: chr11-6640433-C-T.
Other names: short protein forms R28Q.
Identifiers: ClinVar variation 448692 (VCV000448692.13), dbSNP rs369126677, ClinGen allele CA5859069.

ClinVar aggregate classification (germline): Conflicting classifications of pathogenicity. Review status: criteria provided, conflicting classifications (1 of 4 stars). 5 submissions from 5 submitters: Uncertain significance (3); Likely benign (1). 1 of the submissions does not count toward it. Last evaluated 2025-05-28.

Conditions:
Inborn genetic diseases. Identifiers: MedGen C0950123, MeSH D030342.
Neuronal ceroid lipofuscinosis 2. Also called: TPP1-Related Neuronal Ceroid-Lipofuscinosis; JANSKY-BIELSCHOWSKY DISEASE NEURONAL CEROID LIPOFUSCINOSIS, LATE INFANTILE. Identifiers: Orphanet 168491, Orphanet 228349, Orphanet 79264, MedGen C1876161, MONDO:0008769, OMIM 204500.

Allele frequency attached by ClinVar (database versions not stated): ExAC 0.00001; gnomAD 0.00002 and 0.00003; gnomAD exomes 0.00002 and 0.00006; TOPMed 0.00005; ESP Exome Variant Server 0.00015.
gnomAD v4.1: 97 of 1,614,022 alleles (0.006%); highest among the groups gnomAD compares: Middle Eastern, 0.016%; no homozygotes.

Submissions (5):

Ambry Genetics
Classification: Likely benign for Inborn genetic diseases. Last evaluated: 2025-05-28. Review status: criteria provided, single submitter. Criteria: Ambry Variant Classification Scheme 2023. Collection method: clinical testing. Allele origin: germline.

Labcorp Genetics (formerly Invitae), Labcorp
Classification: Uncertain significance. Last evaluated: 2024-11-11. Review status: criteria provided, single submitter. Criteria: Invitae Variant Classification Sherloc (09022015). Collection method: clinical testing. Allele origin: germline.
Comment: This sequence change replaces arginine, which is basic and polar, with glutamine, which is neutral and polar, at codon 28 of the TPP1 protein (p.Arg28Gln). This variant is present in population databases (rs369126677, gnomAD 0.004%). This variant has not been reported in the literature in individuals affected with TPP1-related conditions. ClinVar contains an entry for this variant (Variation ID: 448692). Invitae Evidence Modeling of protein sequence and biophysical properties (such as structural, functional, and spatial information, amino acid conservation, physicochemical variation, residue mobility, and thermodynamic stability) indicates that this missense variant is not expected to disrupt TPP1 protein function with a negative predictive value of 95%. In summary, the available evidence is currently insufficient to determine the role of this variant in disease. Therefore, it has been classified as a Variant of Uncertain Significance.

GeneDx
Classification: Uncertain significance. Last evaluated: 2019-11-11. Review status: criteria provided, single submitter. Criteria: GeneDx Variant Classification Process June 2021. Collection method: clinical testing. Allele origin: germline. Affected: yes.
Comment: Not observed at a significant frequency in large population cohorts (Lek et al., 2016); In silico analysis, which includes protein predictors and evolutionary conservation, supports a deleterious effect; Has not been previously published as pathogenic or benign to our knowledge

Athena Diagnostics
Classification: Uncertain significance. Last evaluated: 2016-09-22. Review status: criteria provided, single submitter. Criteria: Athena Diagnostics Criteria. Collection method: clinical testing. Allele origin: germline.

Natera, Inc.
Classification: Uncertain significance for Neuronal ceroid lipofuscinosis 2. Last evaluated: 2020-04-14. Review status: no assertion criteria provided. Collection method: clinical testing. Allele origin: germline. Not counted in ClinVar's aggregate classification.